The following is an entry in ClinVar:

NM_020717.5(SHROOM4):c.3774G>T (p.Gln1258His)

Gene: SHROOM4 (shroom family member 4; minus strand). Cytogenetic location: Xp11.22.
Variant type: single nucleotide variant.
Coding change: c.3774G>T on transcript NM_020717.5 (MANE Select); coding-DNA position 3774, G replaced by T.
Protein change: p.Gln1258His; replaces glutamine 1258 with histidine.
Molecular consequence: missense variant. On other transcripts: non-coding transcript variant (4).
Genome position (GRCh38, 1-based): chrX:50,602,801, C>A on the plus strand (G>T on the coding strand, the complement: SHROOM4 is on the minus strand). VCF-style: chrX-50602801-C-A. GRCh37 (hg19) VCF-style: chrX-50345801-C-A.
Other names: short protein forms Q1258H.
Identifiers: ClinVar variation 2660557 (VCV002660557.24), dbSNP rs2519242270, ClinGen allele CA413100834.

ClinVar aggregate classification (germline): Likely benign (1 of 4 stars; one submission).

Submission:

CeGaT Center for Human Genetics Tuebingen
Classification: Likely benign. Last evaluated: 2022-06-01. Review status: criteria provided, single submitter. Criteria: CeGaT Center For Human Genetics Tuebingen Variant Classification Criteria Version 2. Collection method: clinical testing. Allele origin: germline. Affected: yes. Observed: 1 variant allele.
Comment: SHROOM4: PM2, BP4, BS2